The following is an entry in ClinVar:

NM_015346.4(ZFYVE26):c.1064G>A (p.Gly355Asp)

Gene: ZFYVE26 (zinc finger FYVE-type containing 26; minus strand). Cytogenetic location: 14q24.1.
Variant type: single nucleotide variant.
Coding change: c.1064G>A on transcript NM_015346.4 (MANE Select); coding-DNA position 1064, G replaced by A.
Protein change: p.Gly355Asp; replaces glycine 355 with aspartic acid.
Molecular consequence: missense variant.
Genome position (GRCh38, 1-based): chr14:67,805,572, C>T on the plus strand (G>A on the coding strand, the complement: ZFYVE26 is on the minus strand). VCF-style: chr14-67805572-C-T. GRCh37 (hg19) VCF-style: chr14-68272289-C-T.
Other names: c.1064G>A (NM_015346.3); short protein forms G355D.
Identifiers: ClinVar variation 1935081 (VCV001935081.8), dbSNP rs138677966, ClinGen allele CA7240627.

ClinVar aggregate classification (germline): Uncertain significance. Review status: criteria provided, multiple submitters, no conflicts (2 of 4 stars). 3 submissions from 3 submitters: Uncertain significance (3). Last evaluated 2025-11-13.

Conditions:
Spastic paraplegia. Identifiers: MedGen C0037772, HP:0001258.
Hereditary spastic paraplegia 15 (SPG15). Also called: KJELLIN SYNDROME; SPASTIC PARAPLEGIA AND RETINAL DEGENERATION; SPASTIC PARAPLEGIA 15, AUTOSOMAL RECESSIVE. Identifiers: Orphanet 100996, MedGen C1849128, MONDO:0010044, OMIM 270700.
Inborn genetic diseases. Identifiers: MedGen C0950123, MeSH D030342.

Allele frequency attached by ClinVar (database versions not stated): ExAC 0.00002; gnomAD 0.00002; TOPMed 0.00002; ESP Exome Variant Server 0.00008; gnomAD exomes 0.00014.
gnomAD v4.1: 197 of 1,614,000 alleles (0.012%); highest among the groups gnomAD compares: Non-Finnish European, 0.017%; 1 homozygote.

Submissions (3):

Ambry Genetics
Classification: Uncertain significance for Inborn genetic diseases. Last evaluated: 2025-11-13. Review status: criteria provided, single submitter. Criteria: Ambry Variant Classification Scheme 2023. Collection method: clinical testing. Allele origin: germline.

Revvity Omics, Revvity
Classification: Uncertain significance for Hereditary spastic paraplegia 15. Last evaluated: 2022-04-14. Review status: criteria provided, single submitter. Criteria: ACMG Guidelines, 2015. Collection method: clinical testing. Allele origin: germline.

Labcorp Genetics (formerly Invitae), Labcorp
Classification: Uncertain significance for Spastic paraplegia. Last evaluated: 2021-09-01. Review status: criteria provided, single submitter. Criteria: Invitae Variant Classification Sherloc (09022015). Collection method: clinical testing. Allele origin: germline.
Comment: This sequence change replaces glycine with aspartic acid at codon 355 of the ZFYVE26 protein (p.Gly355Asp). The glycine residue is moderately conserved and there is a moderate physicochemical difference between glycine and aspartic acid. This variant is present in population databases (rs138677966, ExAC 0.003%). This variant has not been reported in the literature in individuals affected with ZFYVE26-related conditions. Algorithms developed to predict the effect of missense changes on protein structure and function (SIFT, PolyPhen-2, Align-GVGD) all suggest that this variant is likely to be tolerated. In summary, the available evidence is currently insufficient to determine the role of this variant in disease. Therefore, it has been classified as a Variant of Uncertain Significance.